The following is an entry in ClinVar:

ClinVar aggregate classification (germline): Uncertain significance. Review status: criteria provided, multiple submitters, no conflicts (2 of 4 stars). 2 submissions from 2 submitters: Uncertain significance (2). Last evaluated 2025-12-15.

Conditions:
Familial adenomatous polyposis 1 (FAP1). Also called: FAMILIAL ADENOMATOUS POLYPOSIS 1, ATTENUATED; POLYPOSIS, ADENOMATOUS INTESTINAL. Identifiers: MedGen C2713442, MONDO:0021056, OMIM 175100. Disease mechanism: loss of function.
Hereditary cancer-predisposing syndrome. Also called: Tumor predisposition; Hereditary Cancer Syndrome; Hereditary neoplastic syndrome; Neoplastic Syndromes, Hereditary. Identifiers: Orphanet 140162, MedGen C0027672, MeSH D009386, MONDO:0015356.

Allele frequency attached by ClinVar (database versions not stated): gnomAD exomes below 0.00001.
gnomAD v4.1: 5 of 1,613,294 alleles (0.00031%); highest among the groups gnomAD compares: Non-Finnish European, 0.00042%; no homozygotes.

Submissions (2):

Labcorp Genetics (formerly Invitae), Labcorp
Classification: Uncertain significance for Familial adenomatous polyposis 1. Last evaluated: 2025-12-15. Review status: criteria provided, single submitter. Criteria: Invitae Variant Classification Sherloc (09022015). Collection method: clinical testing. Allele origin: germline.
Comment: This sequence change replaces serine, which is neutral and polar, with alanine, which is neutral and non-polar, at codon 2531 of the APC protein (p.Ser2531Ala). This variant is not present in population databases (gnomAD no frequency). This variant has not been reported in the literature in individuals affected with APC-related conditions. ClinVar contains an entry for this variant (Variation ID: 411449). Invitae Evidence Modeling of protein sequence and biophysical properties (such as structural, functional, and spatial information, amino acid conservation, physicochemical variation, residue mobility, and thermodynamic stability) indicates that this missense variant is not expected to disrupt APC protein function with a negative predictive value of 95%. Experimental studies have shown that this missense change does not substantially affect APC function (PMID: 28663347). In summary, the available evidence is currently insufficient to determine the role of this variant in disease. Therefore, it has been classified as a Variant of Uncertain Significance.

Ambry Genetics
Classification: Uncertain significance for Hereditary cancer-predisposing syndrome. Last evaluated: 2024-12-03. Review status: criteria provided, single submitter. Criteria: Ambry Variant Classification Scheme 2023. Collection method: clinical testing. Allele origin: germline.
Comment: The p.S2531A variant (also known as c.7591T>G), located in coding exon 15 of the APC gene, results from a T to G substitution at nucleotide position 7591. The serine at codon 2531 is replaced by alanine, an amino acid with similar properties. This amino acid position is well conserved in available vertebrate species. Missense alterations in APC are not a common cause of disease (Spier I et al. Genet Med. 2024 Feb;26(2):100992). In addition, in silico predictors for this gene do not accurately predict pathogenicity. Since supporting evidence is limited at this time, the clinical significance of this alteration remains unclear.

Literature cited by the submitters: PubMed 28663347 (cited by Labcorp Genetics (formerly Invitae), Labcorp).

NM_000038.6(APC):c.7591T>G (p.Ser2531Ala)

Gene: APC (APC regulator of Wnt signaling pathway; plus strand). Cytogenetic location: 5q22.2.
Variant type: single nucleotide variant.
Coding change: c.7591T>G on transcript NM_000038.6 (MANE Select); coding-DNA position 7591, T replaced by G.
Protein change: p.Ser2531Ala; replaces serine 2531 with alanine.
Molecular consequence: missense variant.
Genome position (GRCh38, 1-based): chr5:112,843,185, T>G. VCF-style: chr5-112843185-T-G. GRCh37 (hg19) VCF-style: chr5-112178882-T-G.
Other names: c.7591T>G, p.Ser2531Ala (NM_001127510.3, NM_001354895.2); c.7537T>G, p.Ser2513Ala (NM_001127511.3); c.7645T>G, p.Ser2549Ala (NM_001354896.2); c.7621T>G, p.Ser2541Ala (NM_001354897.2); c.7516T>G, p.Ser2506Ala (NM_001354898.2); c.7507T>G, p.Ser2503Ala (NM_001354899.2); c.7468T>G, p.Ser2490Ala (NM_001354900.2); c.7414T>G, p.Ser2472Ala (NM_001354901.2); and 5 more; short protein forms S2513A, S2531A, S2371A, S2506A, S2549A, S2248A, S2405A, S2490A.
Identifiers: ClinVar variation 411449 (VCV000411449.17), dbSNP rs1060503311, ClinGen allele CA16037824.